The following is an entry in ClinVar:

ClinVar aggregate classification (germline): Uncertain significance. Review status: criteria provided, multiple submitters, no conflicts (2 of 4 stars). 3 submissions from 3 submitters: Uncertain significance (3). Last evaluated 2025-06-24.

Conditions:
Inborn genetic diseases. Identifiers: MedGen C0950123, MeSH D030342.

Allele frequency attached by ClinVar (database versions not stated): gnomAD exomes below 0.00001; gnomAD 0.00001; TOPMed 0.00003; ESP Exome Variant Server 0.00008.
gnomAD v4.1: 4 of 1,614,010 alleles (0.00025%); highest among the groups gnomAD compares: Non-Finnish European, 0.00034%; no homozygotes.

Submissions (3):

Revvity Omics, Revvity
Classification: Uncertain significance. Last evaluated: 2025-06-24. Review status: criteria provided, single submitter. Criteria: ACMG Guidelines, 2015. Collection method: clinical testing. Allele origin: germline.

Ambry Genetics
Classification: Uncertain significance for Inborn genetic diseases. Last evaluated: 2025-04-17. Review status: criteria provided, single submitter. Criteria: Ambry Variant Classification Scheme 2023. Collection method: clinical testing. Allele origin: germline.

Labcorp Genetics (formerly Invitae), Labcorp
Classification: Uncertain significance. Last evaluated: 2023-08-27. Review status: criteria provided, single submitter. Criteria: Invitae Variant Classification Sherloc (09022015). Collection method: clinical testing. Allele origin: germline.
Comment: In summary, the available evidence is currently insufficient to determine the role of this variant in disease. Therefore, it has been classified as a Variant of Uncertain Significance. Advanced modeling of protein sequence and biophysical properties (such as structural, functional, and spatial information, amino acid conservation, physicochemical variation, residue mobility, and thermodynamic stability) performed at Invitae indicates that this missense variant is not expected to disrupt DEAF1 protein function. This variant has not been reported in the literature in individuals affected with DEAF1-related conditions. This variant is not present in population databases (gnomAD no frequency). This sequence change replaces threonine, which is neutral and polar, with serine, which is neutral and polar, at codon 190 of the DEAF1 protein (p.Thr190Ser).

NM_021008.4(DEAF1):c.569C>G (p.Thr190Ser)

Gene: DEAF1 (DEAF1 transcription factor; minus strand). Cytogenetic location: 11p15.5.
Variant type: single nucleotide variant.
Coding change: c.569C>G on transcript NM_021008.4 (MANE Select); coding-DNA position 569, C replaced by G.
Protein change: p.Thr190Ser; replaces threonine 190 with serine.
Molecular consequence: missense variant. On other transcripts: 5 prime UTR variant (1).
Genome position (GRCh38, 1-based): chr11:688,006, G>C on the plus strand (C>G on the coding strand, the complement: DEAF1 is on the minus strand). VCF-style: chr11-688006-G-C. GRCh37 (hg19) VCF-style: chr11-688006-G-C.
Other names: c.569C>G (NM_021008.3); c.569C>G, p.Thr190Ser (NM_001293634.2); c.-158C>G (NM_001367390.1); short protein forms T190S.
Identifiers: ClinVar variation 2849100 (VCV002849100.5), dbSNP rs138400227, ClinGen allele CA216908186.